The following is an entry in ClinVar:

ClinVar aggregate classification (germline): Uncertain significance (1 of 4 stars; one submission).

Submission:

GeneDx
Classification: Uncertain significance. Last evaluated: 2025-06-30. Review status: criteria provided, single submitter. Criteria: GeneDx Variant Classification Process June 2021. Collection method: clinical testing. Allele origin: germline. Affected: yes.
Comment: Not observed at significant frequency in large population cohorts (gnomAD); In silico analysis supports that this missense variant has a deleterious effect on protein structure/function; Has not been previously published as pathogenic or benign to our knowledge; This variant is associated with the following publications: (PMID: 21224407)

NM_000545.8(HNF1A):c.1398G>C (p.Gln466His)

Gene: HNF1A (HNF1 homeobox A; plus strand). Cytogenetic location: 12q24.31.
Variant type: single nucleotide variant.
Coding change: c.1398G>C on transcript NM_000545.8 (MANE Select); coding-DNA position 1398, G replaced by C.
Protein change: p.Gln466His; replaces glutamine 466 with histidine.
Molecular consequence: missense variant. On other transcripts: intron variant (1).
Genome position (GRCh38, 1-based): chr12:120,997,562, G>C. VCF-style: chr12-120997562-G-C. GRCh37 (hg19) VCF-style: chr12-121435365-G-C.
Other names: c.1398G>C, p.Gln466His (NM_001306179.2); c.1309+820G>C (NM_001406915.1); short protein forms Q466H.
Identifiers: ClinVar variation 4680970 (VCV004680970.1).